The following is an entry in ClinVar:

NM_173477.5(USH1G):c.8A>G (p.Asp3Gly)

Gene: USH1G (USH1 protein network component sans; minus strand). Cytogenetic location: 17q25.1.
Variant type: single nucleotide variant.
Coding change: c.8A>G on transcript NM_173477.5 (MANE Select); coding-DNA position 8, A replaced by G.
Protein change: p.Asp3Gly; replaces aspartic acid 3 with glycine.
Molecular consequence: missense variant. On other transcripts: 5 prime UTR variant (1).
Genome position (GRCh38, 1-based): chr17:74,923,066, T>C on the plus strand (A>G on the coding strand, the complement: USH1G is on the minus strand). VCF-style: chr17-74923066-T-C. GRCh37 (hg19) VCF-style: chr17-72919161-T-C.
Other names: c.-249A>G (NM_001282489.3); short protein forms D3G.
Identifiers: ClinVar variation 1489456 (VCV001489456.8), dbSNP rs2144759686, ClinGen allele CA400968711.
Genomic context (GRCh38, chr17:74,923,066, plus strand): 5'-TTTCGGGTGGCCTCCTTGAGGAGCTCCAGGTAGCCATCCCGGGCTGCCCGGTGGTACTGG[T>C]CGTTCATGGCGCCCGAAGTGGACGGGGCGGGCGGGGGACACGGAGAAAGGCCCCCCGCAG-3'
Protein context (NP_775748.2, residues 1-13): MN[Asp3Gly]QYHRAARDGY

ClinVar aggregate classification (germline): Uncertain significance (1 of 4 stars; one submission).

Allele frequency attached by ClinVar (database versions not stated): gnomAD exomes below 0.00001.
gnomAD v4.1: 1 of 1,583,340 alleles (0.000063%); no homozygotes.

Submission:

Labcorp Genetics (formerly Invitae), Labcorp
Classification: Uncertain significance. Last evaluated: 2022-07-05. Review status: criteria provided, single submitter. Criteria: Invitae Variant Classification Sherloc (09022015). Collection method: clinical testing. Allele origin: germline.
Comment: In summary, the available evidence is currently insufficient to determine the role of this variant in disease. Therefore, it has been classified as a Variant of Uncertain Significance. Algorithms developed to predict the effect of missense changes on protein structure and function are either unavailable or do not agree on the potential impact of this missense change (SIFT: "Not Available"; PolyPhen-2: "Benign"; Align-GVGD: "Not Available"). ClinVar contains an entry for this variant (Variation ID: 1489456). This variant has not been reported in the literature in individuals affected with USH1G-related conditions. This variant is not present in population databases (gnomAD no frequency). This sequence change replaces aspartic acid with glycine at codon 3 of the USH1G protein (p.Asp3Gly). The aspartic acid residue is highly conserved and there is a moderate physicochemical difference between aspartic acid and glycine.